The following is an entry in ClinVar:

NM_138694.4(PKHD1):c.9829+10T>G

Gene: PKHD1 (PKHD1 ciliary IPT domain containing fibrocystin/polyductin; minus strand). Cytogenetic location: 6p12.3.
Variant type: single nucleotide variant.
Coding change: c.9829+10T>G on transcript NM_138694.4 (MANE Select); 10 bases into the intron after coding-DNA position 9829, T replaced by G.
Molecular consequence: intron variant.
Genome position (GRCh38, 1-based): chr6:51,747,777, A>C on the plus strand (T>G on the coding strand, the complement: PKHD1 is on the minus strand). VCF-style: chr6-51747777-A-C. GRCh37 (hg19) VCF-style: chr6-51612575-A-C.
Other names: p.?; c.9829+10T>G (NM_170724.3).
Identifiers: ClinVar variation 167476 (VCV000167476.28), dbSNP rs143526199, ClinGen allele CA180300.

ClinVar aggregate classification (germline): Benign/Likely benign. Review status: criteria provided, multiple submitters, no conflicts (2 of 4 stars). 9 submissions from 9 submitters: Benign (5); Likely benign (3). 1 of the submissions does not count toward it. Last evaluated 2026-01-31.

Conditions:
Autosomal recessive polycystic kidney disease (ARPKD). Also called: AR polycystic kidney disease. Identifiers: Orphanet 731, Orphanet 8378, MedGen C0085548, MeSH D017044, MONDO:0009889.

Allele frequency attached by ClinVar (database versions not stated): gnomAD exomes 0.00051 and 0.00135; ExAC 0.00159; gnomAD 0.00482 and 0.00518; TOPMed 0.00538; ESP Exome Variant Server 0.00584; 1000 Genomes Project 0.00679; 1000 Genomes Project 30x 0.00734.
gnomAD v4.1: 1,516 of 1,611,812 alleles (0.094%); highest among the groups gnomAD compares: African/African-American, 1.7%; 10 homozygotes.

Submissions (9):

Labcorp Genetics (formerly Invitae), Labcorp
Classification: Benign for Autosomal recessive polycystic kidney disease. Last evaluated: 2026-01-31. Review status: criteria provided, single submitter. Criteria: Invitae Variant Classification Sherloc (09022015). Collection method: clinical testing. Allele origin: germline.

Mayo Clinic Laboratories, Mayo Clinic
Classification: Benign. Last evaluated: 2024-01-30. Review status: criteria provided, single submitter. Criteria: ACMG Guidelines, 2015. Collection method: clinical testing. Allele origin: germline. Observed: 6 variant alleles.
Comment: BS1, BS2, BP4, BP7

GeneDx
Classification: Likely benign. Last evaluated: 2019-02-04. Review status: criteria provided, single submitter. Criteria: GeneDx Variant Classification Process June 2021. Collection method: clinical testing. Allele origin: germline. Affected: yes.

Illumina Laboratory Services, Illumina
Classification: Likely benign for Polycystic kidney disease 4. Last evaluated: 2018-01-12. Review status: criteria provided, single submitter. Criteria: ICSL Variant Classification Criteria 13 December 2019. Collection method: clinical testing. Allele origin: germline.
Comment: This variant was observed in the ICSL laboratory as part of a predisposition screen in an ostensibly healthy population. It had not been previously curated by ICSL or reported in the Human Gene Mutation Database (HGMD: prior to June 1st, 2018), and was therefore a candidate for classification through an automated scoring system. Utilizing variant allele frequency, disease prevalence and penetrance estimates, and inheritance mode, an automated score was calculated to assess if this variant is too frequent to cause the disease. Based on the score and internal cut-off values, a variant classified as likely benign is not then subjected to further curation. The score for this variant resulted in a classification of likely benign for this disease.

Women's Health and Genetics/Laboratory Corporation of America, LabCorp
Classification: Benign. Last evaluated: 2016-04-26. Review status: criteria provided, single submitter. Criteria: LabCorp Variant Classification Summary - May 2015. Collection method: clinical testing. Allele origin: germline.
Comment: Variant summary: The PKHD1 c.9829+10T>G variant affects a non-conserved intronic nucleotide. Mutation Taster predicts benign outcome for this variant, and 5/5/ in silico tools via Alamut predict no significant change to splicing. Functional studies have not been carried out to confirm these in silico predictions. This variant was found in 199/121356 control chromosomes at a frequency of 0.0016398,predominantly in individuals of African descent (1.65%), including 2 homozygous occurrences. This frequency exceeds the maximal expected allele frequency for a pathogenic variant in PKHD1 gene (0.7%). The variant has been reported as a polymorphism identified in controls, and has been reported in only one ARPKD patient without evidence of causality (i.e. co-segregation). Additionally, one clinical lab has classified the variant as benign. Taken together, the variant was classified as benign.

Eurofins Ntd Llc (ga)
Classification: Benign. Last evaluated: 2014-01-14. Review status: criteria provided, single submitter. Criteria: EGL Classification Definitions 2015. Collection method: clinical testing. Allele origin: germline. Observed: 1 variant allele, 1 heterozygote.

Breakthrough Genomics
Classification: Likely benign. Review status: criteria provided, single submitter. Criteria: ACMG Guidelines, 2015. Collection method: not provided. Allele origin: germline. Inheritance: Autosomal recessive inheritance. Affected: yes.

PreventionGenetics, part of Exact Sciences
Classification: Benign. Review status: criteria provided, single submitter. Criteria: ACMG Guidelines, 2015. Collection method: clinical testing. Allele origin: germline.

Natera, Inc.
Classification: Benign for Autosomal recessive polycystic kidney disease. Last evaluated: 2017-05-11. Review status: no assertion criteria provided. Collection method: clinical testing. Allele origin: germline. Not counted in ClinVar's aggregate classification.

Literature cited by the submitters: PubMed 15108277 (cited by Women's Health and Genetics/Laboratory Corporation of America, LabCorp); PubMed 15805161 (cited by Women's Health and Genetics/Laboratory Corporation of America, LabCorp); PubMed 12874454 (cited by Women's Health and Genetics/Laboratory Corporation of America, LabCorp); PubMed 16133180 (cited by Women's Health and Genetics/Laboratory Corporation of America, LabCorp).